The following is an entry in ClinVar:

NM_032043.3(BRIP1):c.3411_3412inv (p.Asp1138Asn)

Gene: BRIP1 (BRCA1 interacting DNA helicase 1; minus strand). Cytogenetic location: 17q23.2.
Variant type: Inversion.
Coding change: c.3411_3412inv on transcript NM_032043.3 (MANE Select).
Protein change: p.Asp1138Asn; replaces aspartic acid 1138 with asparagine.
Molecular consequence: missense variant.
Genome position: GRCh38 VCF-style: chr17-61683634-CA-TG. GRCh37 (hg19) VCF-style: chr17-59760995-CA-TG.
Other names: c.3411_3412delTGinsCA (NM_032043.2); c.3411_3412delinsCA (NM_032043.3); short protein forms D1138N.
Identifiers: ClinVar variation 491468 (VCV000491468.8), ClinGen allele CA658684147.

ClinVar aggregate classification (germline): Uncertain significance. Review status: criteria provided, multiple submitters, no conflicts (2 of 4 stars). 3 submissions from 3 submitters: Uncertain significance (3). Last evaluated 2025-08-08.

Conditions:
Hereditary cancer-predisposing syndrome. Also called: Hereditary neoplastic syndrome; Tumor predisposition; Hereditary Cancer Syndrome; Neoplastic Syndromes, Hereditary. Identifiers: Orphanet 140162, MedGen C0027672, MeSH D009386, MONDO:0015356.

Submissions (3):

Ambry Genetics
Classification: Uncertain significance for Hereditary cancer-predisposing syndrome. Last evaluated: 2025-08-08. Review status: criteria provided, single submitter. Criteria: Ambry Variant Classification Scheme 2023. Collection method: clinical testing. Allele origin: germline.
Comment: The c.3411_3412delTGinsCA variant (also known as p.D1138N), located in coding exon 19 of the BRIP1 gene, results from an in-frame deletion of TG and insertion of CA at nucleotide positions 3411 to 3412. This results in the substitution of the aspartic acid residue for an asparagine residue at codon 1138, an amino acid with highly similar properties. This amino acid position is highly conserved in available vertebrate species. In addition, this alteration is predicted to be neutral by in silico analysis (Choi Y et al. PLoS ONE. 2012; 7(10):e46688). Based on the available evidence, the clinical significance of this variant remains unclear.

Color Diagnostics, LLC DBA Color Health
Classification: Uncertain significance for Hereditary cancer-predisposing syndrome. Last evaluated: 2023-12-04. Review status: criteria provided, single submitter. Criteria: ACMG Guidelines, 2015. Collection method: clinical testing. Allele origin: germline.
Comment: This missense variant replaces aspartic acid with asparagine at codon 1138 of the BRIP1 protein. To our knowledge, functional studies have not been reported for this variant. This variant has not been reported in individuals affected with BRIP1-related disorders in the literature. This variant has not been identified in the general population by the Genome Aggregation Database (gnomAD). The available evidence is insufficient to determine the role of this variant in disease conclusively. Therefore, this variant is classified as a Variant of Uncertain Significance.

Women's Health and Genetics/Laboratory Corporation of America, LabCorp
Classification: Uncertain significance. Last evaluated: 2016-07-15. Review status: criteria provided, single submitter. Criteria: LabCorp Variant Classification Summary - May 2015. Collection method: clinical testing. Allele origin: germline.
Comment: Variant summary: The BRIP1 c.3411_3412delinsCA (p.Asp1138delinsAsn) variant involves the alteration of two adjacent nucleotides resulting in an in-frame amino acid change. One in silico tool predicts a damaging outcome for this variant. This variant was found in 1/120914 control chromosomes, which does not rule out the pathogenicity of this variant. The variant of interest has not, to our knowledge, been reported in affected individuals via publications and/or reputable databases/clinical diagnostic laboratories; nor evaluated for functional impact by in vivo/vitro studies. Because of the absence of clinical information and the lack of functional studies, the variant was classified as a variant of uncertain significance (VUS) until additional information becomes available.